The following is an entry in ClinVar:

ClinVar aggregate classification (germline): Uncertain significance (1 of 4 stars; one submission).

Submission:

Labcorp Genetics (formerly Invitae), Labcorp
Classification: Uncertain significance. Last evaluated: 2024-02-06. Review status: criteria provided, single submitter. Criteria: Invitae Variant Classification Sherloc (09022015). Collection method: clinical testing. Allele origin: germline.
Comment: This sequence change replaces glutamic acid, which is acidic and polar, with valine, which is neutral and non-polar, at codon 263 of the CSF2RB protein (p.Glu263Val). This variant is present in population databases (rs748517710, gnomAD 0.007%). This variant has not been reported in the literature in individuals affected with CSF2RB-related conditions. Advanced modeling of protein sequence and biophysical properties (such as structural, functional, and spatial information, amino acid conservation, physicochemical variation, residue mobility, and thermodynamic stability) performed at Invitae indicates that this missense variant is expected to disrupt CSF2RB protein function with a positive predictive value of 80%. In summary, the available evidence is currently insufficient to determine the role of this variant in disease. Therefore, it has been classified as a Variant of Uncertain Significance.

NM_000395.3(CSF2RB):c.788A>T (p.Glu263Val)

Gene: CSF2RB (colony stimulating factor 2 receptor subunit beta; plus strand). Cytogenetic location: 22q12.3.
Variant type: single nucleotide variant.
Coding change: c.788A>T on transcript NM_000395.3 (MANE Select); coding-DNA position 788, A replaced by T.
Protein change: p.Glu263Val; replaces glutamic acid 263 with valine.
Molecular consequence: missense variant.
Genome position (GRCh38, 1-based): chr22:36,930,444, A>T. VCF-style: chr22-36930444-A-T. GRCh37 (hg19) VCF-style: chr22-37326486-A-T.
Other names: c.788A>T, p.Glu263Val (NM_001410827.1); short protein forms E263V.
Identifiers: ClinVar variation 3612821 (VCV003612821.2).